The following is an entry in ClinVar:

ClinVar aggregate classification (germline): Uncertain significance (1 of 4 stars; one submission).

Conditions:
Inborn genetic diseases. Identifiers: MedGen C0950123, MeSH D030342.

gnomAD v4.1: 1 of 1,613,934 alleles (0.000062%); highest among the groups gnomAD compares: African/African-American, 0.0013%; no homozygotes.

Submission:

Ambry Genetics
Classification: Uncertain significance for Inborn genetic diseases. Last evaluated: 2024-08-04. Review status: criteria provided, single submitter. Criteria: Ambry Variant Classification Scheme 2023. Collection method: clinical testing. Allele origin: germline.
Comment: The p.L2005R variant (also known as c.6014T>G), located in coding exon 41 of the LRRK2 gene, results from a T to G substitution at nucleotide position 6014. The leucine at codon 2005 is replaced by arginine, an amino acid with dissimilar properties. This amino acid position is conserved. In addition, this alteration is predicted to be deleterious by in silico analysis. Since supporting evidence is limited at this time, the clinical significance of this alteration remains unclear.

NM_198578.4(LRRK2):c.6014T>G (p.Leu2005Arg)

Gene: LRRK2 (leucine rich repeat kinase 2; plus strand). Cytogenetic location: 12q12.
Variant type: single nucleotide variant.
Coding change: c.6014T>G on transcript NM_198578.4 (MANE Select); coding-DNA position 6014, T replaced by G.
Protein change: p.Leu2005Arg; replaces leucine 2005 with arginine.
Molecular consequence: missense variant.
Genome position (GRCh38, 1-based): chr12:40,340,359, T>G. VCF-style: chr12-40340359-T-G. GRCh37 (hg19) VCF-style: chr12-40734161-T-G.
Other names: short protein forms L2005R.
Identifiers: ClinVar variation 1751089 (VCV001751089.3), dbSNP rs1309365117, ClinGen allele CA384403780.